The following is an entry in ClinVar:

ClinVar aggregate classification (germline): Uncertain significance (1 of 4 stars; one submission).

Submission:

GeneDx
Classification: Uncertain significance. Last evaluated: 2026-04-18. Review status: criteria provided, single submitter. Criteria: GeneDx Variant Classification Process June 2021. Collection method: clinical testing. Allele origin: germline.
Comment: Not observed at significant frequency in large population cohorts (gnomAD); Frameshift variant predicted to result in protein truncation or nonsense mediated decay in a gene or region of a gene for which loss of function is not a well-established mechanism of disease; Has not been previously published as pathogenic or benign to our knowledge

NM_145166.4(ZBTB47):c.1417del (p.Leu473fs)

Gene: ZBTB47 (zinc finger and BTB domain containing 47; plus strand). Cytogenetic location: 3p22.1.
Variant type: Deletion.
Coding change: c.1417del on transcript NM_145166.4 (MANE Select); coding-DNA position 1417, one base deleted (C; older notation c.1417delC).
Protein change: p.Leu473fs; shifts the reading frame from leucine 473.
Molecular consequence: frameshift variant.
Genome position (GRCh38, 1-based): chr3:42,659,772, C deleted; the last of 2 consecutive C bases (chr3:42,659,771-42,659,772); deleting either gives the same sequence. VCF-style (leftmost placement, unchanged base first): chr3-42659770-TC-T. GRCh37 (hg19) VCF-style: chr3-42701262-TC-T.
Other names: c.1501del, p.Leu501fs (NM_001410746.1); short protein forms L473fs, L501fs.
Identifiers: ClinVar variation 5037245 (VCV005037245.1).